The following is an entry in ClinVar:

NM_004484.4(GPC3):c.1367A>G (p.Glu456Gly)

Gene: GPC3 (glypican 3; minus strand). Cytogenetic location: Xq26.2.
Variant type: single nucleotide variant.
Coding change: c.1367A>G on transcript NM_004484.4 (MANE Select); coding-DNA position 1367, A replaced by G.
Protein change: p.Glu456Gly; replaces glutamic acid 456 with glycine.
Molecular consequence: missense variant.
Genome position (GRCh38, 1-based): chrX:133,661,776, T>C on the plus strand (A>G on the coding strand, the complement: GPC3 is on the minus strand). VCF-style: chrX-133661776-T-C. GRCh37 (hg19) VCF-style: chrX-132795804-T-C.
Other names: c.1436A>G, p.Glu479Gly (NM_001164617.2); c.1319A>G, p.Glu440Gly (NM_001164618.2); c.1205A>G, p.Glu402Gly (NM_001164619.2); short protein forms E402G, E479G, E440G, E456G.
Identifiers: ClinVar variation 2063310 (VCV002063310.4), dbSNP rs2070729173, ClinGen allele CA414704501.
Genomic context (GRCh38, chrX:133,661,776, plus strand): 5'-TATATTCCACATACCTGGTTAATGTGCTTCAGTTTGTCAATAATTTGACTGACCACTGGC[T>C]CAGGGCCCTTCATTTTCAGCTCATGGAGATTGAACTGGTTTTTCATTCCATTCCTTGCTG-3'
Protein context (NP_004475.1, residues 446-466): NLHELKMKGP[Glu456Gly]PVVSQIIDKL

ClinVar aggregate classification (germline): Uncertain significance (1 of 4 stars; one submission).

Conditions:
Wilms tumor 1 (WT1). Also called: Wilms tumor, somatic. Identifiers: Orphanet 654, MedGen CN033288, MONDO:0008679, OMIM 194070.

Allele frequency attached by ClinVar (database versions not stated): gnomAD exomes below 0.00001.
gnomAD v4.1: 4 of 1,199,375 alleles (0.00033%); highest among the groups gnomAD compares: Non-Finnish European, 0.00045%; no homozygotes.

Submission:

Labcorp Genetics (formerly Invitae), Labcorp
Classification: Uncertain significance for Wilms tumor 1. Last evaluated: 2022-04-29. Review status: criteria provided, single submitter. Criteria: Invitae Variant Classification Sherloc (09022015). Collection method: clinical testing. Allele origin: germline.
Comment: In summary, the available evidence is currently insufficient to determine the role of this variant in disease. Therefore, it has been classified as a Variant of Uncertain Significance. Algorithms developed to predict the effect of missense changes on protein structure and function are either unavailable or do not agree on the potential impact of this missense change (SIFT: "Tolerated"; PolyPhen-2: "Probably Damaging"; Align-GVGD: "Class C0"). This variant has not been reported in the literature in individuals affected with GPC3-related conditions. This variant is not present in population databases (gnomAD no frequency). This sequence change replaces glutamic acid, which is acidic and polar, with glycine, which is neutral and non-polar, at codon 456 of the GPC3 protein (p.Glu456Gly).